The following is an entry in ClinVar:

ClinVar aggregate classification (germline): Uncertain significance (1 of 4 stars; one submission).

Conditions:
Glycogen storage disease type III (GSD3). Also called: Cori disease; FORBES DISEASE. Identifiers: Orphanet 366, MedGen C0017922, MONDO:0009291, OMIM 232400.

Allele frequency attached by ClinVar (database versions not stated): gnomAD exomes below 0.00001; gnomAD 0.00001; ExAC 0.00002.
gnomAD v4.1: 2 of 1,613,146 alleles (0.00012%); highest among the groups gnomAD compares: East Asian, 0.0045%; no homozygotes.

Submission:

Labcorp Genetics (formerly Invitae), Labcorp
Classification: Uncertain significance for Glycogen storage disease type III. Last evaluated: 2022-03-13. Review status: criteria provided, single submitter. Criteria: Invitae Variant Classification Sherloc (09022015). Collection method: clinical testing. Allele origin: germline.
Comment: This sequence change replaces isoleucine, which is neutral and non-polar, with valine, which is neutral and non-polar, at codon 1123 of the AGL protein (p.Ile1123Val). This variant is present in population databases (rs757286395, gnomAD 0.01%). This variant has not been reported in the literature in individuals affected with AGL-related conditions. Algorithms developed to predict the effect of missense changes on protein structure and function are either unavailable or do not agree on the potential impact of this missense change (SIFT: "Tolerated"; PolyPhen-2: "Possibly Damaging"; Align-GVGD: "Class C0"). In summary, the available evidence is currently insufficient to determine the role of this variant in disease. Therefore, it has been classified as a Variant of Uncertain Significance.

NM_000642.3(AGL):c.3367A>G (p.Ile1123Val)

Gene: AGL (amylo-alpha-1,6-glucosidase and 4-alpha-glucanotransferase; plus strand). Cytogenetic location: 1p21.2.
Variant type: single nucleotide variant.
Coding change: c.3367A>G on transcript NM_000642.3 (MANE Select); coding-DNA position 3367, A replaced by G.
Protein change: p.Ile1123Val; replaces isoleucine 1123 with valine.
Molecular consequence: missense variant.
Genome position (GRCh38, 1-based): chr1:99,900,640, A>G. VCF-style: chr1-99900640-A-G. GRCh37 (hg19) VCF-style: chr1-100366196-A-G.
Other names: c.3367A>G, p.Ile1123Val (NM_000028.3, NM_000643.3, NM_000644.3 and 1 more transcripts); c.3319A>G, p.Ile1107Val (NM_000646.3); c.3346A>G, p.Ile1116Val (NM_001425326.1); c.3166A>G, p.Ile1056Val (NM_001425327.1); c.3163A>G, p.Ile1055Val (NM_001425328.1); c.3028A>G, p.Ile1010Val (NM_001425329.1); c.2989A>G, p.Ile997Val (NM_001425332.1); short protein forms I1123V, I1107V, I1010V, I1055V, I1056V, I1116V, I997V.
Identifiers: ClinVar variation 2085134 (VCV002085134.1), dbSNP rs757286395, ClinGen allele CA967071.